The following is an entry in ClinVar:

NM_145262.4(GLYCTK):c.1310G>C (p.Trp437Ser)

Gene: GLYCTK (glycerate kinase; plus strand). Cytogenetic location: 3p21.2.
Variant type: single nucleotide variant.
Coding change: c.1310G>C on transcript NM_145262.4 (MANE Select); coding-DNA position 1310, G replaced by C.
Protein change: p.Trp437Ser; replaces tryptophan 437 with serine.
Molecular consequence: missense variant. On other transcripts: 3 prime UTR variant (1), non-coding transcript variant (2).
Genome position (GRCh38, 1-based): chr3:52,292,864, G>C. VCF-style: chr3-52292864-G-C. GRCh37 (hg19) VCF-style: chr3-52326880-G-C.
Other names: c.*429G>C (NM_001144951.2); short protein forms W437S.
Identifiers: ClinVar variation 1964050 (VCV001964050.3), dbSNP rs2471087307, ClinGen allele CA353075754.
Genomic context (GRCh38, chr3:52,292,864, plus strand): 5'-CGGGCAGGGGTGGCCGGAACCAGGAACTGGCCCTGCGTGTTGGAGCAGAGTTGAGAAGGT[G>C]GCCGCTGGGGCCGATAGATGTGCTGTTTTTGAGCGGTGGCACCGATGGGCAGGATGGGCC-3'
Protein context (NP_660305.2, residues 427-447): ALRVGAELRR[Trp437Ser]PLGPIDVLFL

ClinVar aggregate classification (germline): Uncertain significance (1 of 4 stars; one submission).

Submission:

Labcorp Genetics (formerly Invitae), Labcorp
Classification: Uncertain significance. Last evaluated: 2022-10-18. Review status: criteria provided, single submitter. Criteria: Invitae Variant Classification Sherloc (09022015). Collection method: clinical testing. Allele origin: germline.
Comment: In summary, the available evidence is currently insufficient to determine the role of this variant in disease. Therefore, it has been classified as a Variant of Uncertain Significance. Advanced modeling of protein sequence and biophysical properties (such as structural, functional, and spatial information, amino acid conservation, physicochemical variation, residue mobility, and thermodynamic stability) performed at Invitae indicates that this missense variant is not expected to disrupt GLYCTK protein function. This variant has not been reported in the literature in individuals affected with GLYCTK-related conditions. This variant is not present in population databases (gnomAD no frequency). This sequence change replaces tryptophan, which is neutral and slightly polar, with serine, which is neutral and polar, at codon 437 of the GLYCTK protein (p.Trp437Ser).